The following is an entry in ClinVar:

ClinVar aggregate classification (germline): Uncertain significance (1 of 4 stars; one submission).

Conditions:
Perlman syndrome (PRLMNS). Identifiers: Orphanet 2849, MedGen C0796113, MONDO:0009965, OMIM 267000.

Submission:

Labcorp Genetics (formerly Invitae), Labcorp
Classification: Uncertain significance for Perlman syndrome. Last evaluated: 2023-04-11. Review status: criteria provided, single submitter. Criteria: Invitae Variant Classification Sherloc (09022015). Collection method: clinical testing. Allele origin: germline.
Comment: In summary, the available evidence is currently insufficient to determine the role of this variant in disease. Therefore, it has been classified as a Variant of Uncertain Significance. RNA analysis performed to evaluate the impact of this missense change on mRNA splicing indicates it does not significantly alter splicing (Invitae). An algorithm developed to predict the effect of missense changes on protein structure and function (PolyPhen-2) suggests that this variant is likely to be tolerated. This variant has not been reported in the literature in individuals affected with DIS3L2-related conditions. This variant is not present in population databases (gnomAD no frequency). This sequence change replaces glutamine, which is neutral and polar, with leucine, which is neutral and non-polar, at codon 318 of the DIS3L2 protein (p.Gln318Leu).

NM_152383.5(DIS3L2):c.953A>T (p.Gln318Leu)

Gene: DIS3L2 (DIS3 like 3'-5' exoribonuclease 2; plus strand). Cytogenetic location: 2q37.1.
Variant type: single nucleotide variant.
Coding change: c.953A>T on transcript NM_152383.5 (MANE Select); coding-DNA position 953, A replaced by T.
Protein change: p.Gln318Leu; replaces glutamine 318 with leucine.
Molecular consequence: missense variant. On other transcripts: non-coding transcript variant (2).
Genome position (GRCh38, 1-based): chr2:232,163,461, A>T. VCF-style: chr2-232163461-A-T. GRCh37 (hg19) VCF-style: chr2-233028171-A-T.
Other names: c.953A>T, p.Gln318Leu (NM_001257281.2); short protein forms Q318L.
Identifiers: ClinVar variation 2854938 (VCV002854938.3), dbSNP rs1060503038, ClinGen allele CA351154161.